The following is an entry in ClinVar:

ClinVar aggregate classification (germline): Likely benign (1 of 4 stars; one submission).

gnomAD v4.1: 656 of 1,610,428 alleles (0.041%); highest among the groups gnomAD compares: Admixed American, 1%; 5 homozygotes.

Submission:

CeGaT Center for Human Genetics Tuebingen
Classification: Likely benign. Last evaluated: 2026-01-01. Review status: criteria provided, single submitter. Criteria: CeGaT Center For Human Genetics Tuebingen Variant Classification Criteria Version 2. Collection method: clinical testing. Allele origin: germline. Affected: yes. Observed: 1 variant allele.
Comment: CEACAM6: BP4, BS1

NM_002483.7(CEACAM6):c.406G>A (p.Gly136Arg)

Gene: CEACAM6 (CEA cell adhesion molecule 6; plus strand). Cytogenetic location: 19q13.2.
Variant type: single nucleotide variant.
Coding change: c.406G>A on transcript NM_002483.7 (MANE Select); coding-DNA position 406, G replaced by A.
Protein change: p.Gly136Arg; replaces glycine 136 with arginine.
Molecular consequence: missense variant.
Genome position (GRCh38, 1-based): chr19:41,756,941, G>A. VCF-style: chr19-41756941-G-A. GRCh37 (hg19) VCF-style: chr19-42260849-G-A.
Other names: short protein forms G136R.
Identifiers: ClinVar variation 4821772 (VCV004821772.4).
Genomic context (GRCh38, chr19:41,756,941, plus strand): 5'-GACACAGGATTCTATACCCTACAAGTCATAAAGTCAGATCTTGTGAATGAAGAAGCAACC[G>A]GACAGTTCCATGTATACCGTGAGTATTTCCACATGACCTCTGGGTGTTGGGGGTCAGTTC-3'
Protein context (NP_002474.4, residues 126-146): KSDLVNEEAT[Gly136Arg]QFHVYPELPK